The following is an entry in ClinVar:

ClinVar aggregate classification (germline): Uncertain significance (1 of 4 stars; one submission).

Conditions:
Rhabdoid tumor predisposition syndrome 2 (RTPS2). Identifiers: Orphanet 231108, Orphanet 69077, MedGen C2750074, MONDO:0013224, OMIM 613325.

Submission:

Labcorp Genetics (formerly Invitae), Labcorp
Classification: Uncertain significance for Rhabdoid tumor predisposition syndrome 2. Last evaluated: 2021-05-27. Review status: criteria provided, single submitter. Criteria: Invitae Variant Classification Sherloc (09022015). Collection method: clinical testing. Allele origin: germline.
Comment: In summary, the available evidence is currently insufficient to determine the role of this variant in disease. Therefore, it has been classified as a Variant of Uncertain Significance. Algorithms developed to predict the effect of missense changes on protein structure and function (SIFT, PolyPhen-2, Align-GVGD) all suggest that this variant is likely to be disruptive, but these predictions have not been confirmed by published functional studies and their clinical significance is uncertain. This variant has not been reported in the literature in individuals with SMARCA4-related conditions. This variant is not present in population databases (ExAC no frequency). This sequence change replaces cysteine with tyrosine at codon 998 of the SMARCA4 protein (p.Cys998Tyr). The cysteine residue is highly conserved and there is a large physicochemical difference between cysteine and tyrosine.

NM_003072.5(SMARCA4):c.2993G>A (p.Cys998Tyr)

Gene: SMARCA4 (SWI/SNF related BAF chromatin remodeling complex subunit ATPase 4; plus strand). Cytogenetic location: 19p13.2.
Variant type: single nucleotide variant.
Coding change: c.2993G>A on transcript NM_003072.5 (MANE Select); coding-DNA position 2993, G replaced by A.
Protein change: p.Cys998Tyr; replaces cysteine 998 with tyrosine.
Molecular consequence: missense variant. On other transcripts: non-coding transcript variant (1).
Genome position (GRCh38, 1-based): chr19:11,024,350, G>A. VCF-style: chr19-11024350-G-A. GRCh37 (hg19) VCF-style: chr19-11135026-G-A.
Other names: c.2993G>A, p.Cys998Tyr (NM_001128844.3, NM_001128845.2, NM_001128846.2 and 5 more transcripts); short protein forms C998Y.
Identifiers: ClinVar variation 1356609 (VCV001356609.8), dbSNP rs2146472537, ClinGen allele CA404058830.